The following is an entry in ClinVar:

NM_000512.5(GALNS):c.410T>G (p.Ile137Ser)

Gene: GALNS (galactosamine (N-acetyl)-6-sulfatase; minus strand). Cytogenetic location: 16q24.3.
Variant type: single nucleotide variant.
Coding change: c.410T>G on transcript NM_000512.5 (MANE Select); coding-DNA position 410, T replaced by G.
Protein change: p.Ile137Ser; replaces isoleucine 137 with serine.
Molecular consequence: missense variant. On other transcripts: 5 prime UTR variant (1).
Genome position (GRCh38, 1-based): chr16:88,841,004, A>C on the plus strand (T>G on the coding strand, the complement: GALNS is on the minus strand). VCF-style: chr16-88841004-A-C. GRCh37 (hg19) VCF-style: chr16-88907412-A-C.
Other names: c.-146T>G (NM_001323543.2); c.428T>G, p.Ile143Ser (NM_001323544.2); short protein forms I137S, I143S.
Identifiers: ClinVar variation 4887000 (VCV004887000.1).
Genomic context (GRCh38, chr16:88,841,004, plus strand): 5'-GAAGTGGATGGAGCAGGACGCCTGGGCAGGCGTGGCCAGGAGACTTACCACTTGCCGACA[A>C]TCTTGCTGACGTAGCCGGCCTTCTTCAGAAGCTCCGGCAGGAGCTGCTCCGAGTCTGGGA-3'
Protein context (NP_000503.1, residues 127-147): LLKKAGYVSK[Ile137Ser]VGKWHLGHRP

ClinVar aggregate classification (germline): Likely pathogenic (1 of 4 stars; one submission).

Conditions:
Mucopolysaccharidosis, MPS-IV-A (MPS4A). Also called: MORQUIO SYNDROME A; GALACTOSAMINE-6-SULFATASE DEFICIENCY; GALNS DEFICIENCY; MORQUIO A DISEASE; MPS IVA; Mucopolysaccharidosis type IV A. Identifiers: Orphanet 309297, Orphanet 582, MedGen C0086651, MONDO:0009659, OMIM 253000.

gnomAD v4.1: 1 of 1,613,132 alleles (0.000062%); highest among the groups gnomAD compares: South Asian, 0.0011%; no homozygotes.

Submission:

Department of Genetics and Endocrinology, Guangzhou Women and Children’s Medical Center
Classification: Likely pathogenic for Mucopolysaccharidosis, MPS-IV-A. Last evaluated: 2026-08-20. Review status: criteria provided, single submitter. Criteria: ACMG Guidelines, 2015. Collection method: clinical testing. Allele origin: germline. Affected: yes.
Comment: PM1: located in domain 1 (catalytic domain, hydrophobic core); PM2: absent from population databases (gnomAD); PP3: multiple in silico tools predict damaging effect; PP4: patient phenotype is highly specific for MPS IVA.